The following is an entry in ClinVar:

NM_032409.3(PINK1):c.1264C>T (p.Arg422Cys)

Genes: PINK1 (PTEN induced kinase 1; plus strand), PINK1-AS (PINK1 antisense RNA; minus strand). Cytogenetic location: 1p36.12.
Variant type: single nucleotide variant.
Coding change: c.1264C>T on transcript NM_032409.3 (MANE Select); coding-DNA position 1264, C replaced by T.
Protein change: p.Arg422Cys; replaces arginine 422 with cysteine.
Molecular consequence: missense variant. On other transcripts: non-coding transcript variant (1).
Genome position (GRCh38, 1-based): chr1:20,649,007, C>T. VCF-style: chr1-20649007-C-T. GRCh37 (hg19) VCF-style: chr1-20975500-C-T.
Other names: short protein forms R422C.
Identifiers: ClinVar variation 1470144 (VCV001470144.6), dbSNP rs374167096, ClinGen allele CA18961283.
Genomic context (GRCh38, chr1:20,649,007, plus strand): 5'-GGTTAGATGGGCGGGCAGCGTGATGTCTCACCCACTGCTTCTGAGCAGGTGTCCACGGCC[C>T]GTCCTGGCCCCAGGGCAGTGATTGACTACAGCAAGGCTGATGCCTGGGCAGTGGGAGCCA-3'
Protein context (NP_115785.1, residues 412-432): CLMAPEVSTA[Arg422Cys]PGPRAVIDYS

ClinVar aggregate classification (germline): Uncertain significance (1 of 4 stars; one submission).

Conditions:
Autosomal recessive early-onset Parkinson disease 6 (PARK6). Also called: PINK1-Related Parkinson Disease; PARKINSON DISEASE 6, MODIFIER OF; PINK1 Type of Young-Onset Parkinson Disease; PARKINSON DISEASE 6, EARLY-ONSET. Identifiers: Orphanet 2828, MedGen C1853833, MONDO:0011613, OMIM 605909.

Allele frequency attached by ClinVar (database versions not stated): gnomAD exomes below 0.00001 and 0.00002; gnomAD 0.00001; TOPMed 0.00002; ESP Exome Variant Server 0.00008.

Submission:

Labcorp Genetics (formerly Invitae), Labcorp
Classification: Uncertain significance for Autosomal recessive early-onset Parkinson disease 6. Last evaluated: 2022-09-07. Review status: criteria provided, single submitter. Criteria: Invitae Variant Classification Sherloc (09022015). Collection method: clinical testing. Allele origin: germline.
Comment: In summary, the available evidence is currently insufficient to determine the role of this variant in disease. Therefore, it has been classified as a Variant of Uncertain Significance. Algorithms developed to predict the effect of sequence changes on RNA splicing suggest that this variant may create or strengthen a splice site. Algorithms developed to predict the effect of missense changes on protein structure and function output the following: SIFT: "Tolerated"; PolyPhen-2: "Benign"; Align-GVGD: "Class C0". The cysteine amino acid residue is found in multiple mammalian species, which suggests that this missense change does not adversely affect protein function. ClinVar contains an entry for this variant (Variation ID: 1470144). This variant has not been reported in the literature in individuals affected with PINK1-related conditions. This variant is present in population databases (rs374167096, gnomAD 0.0009%). This sequence change replaces arginine, which is basic and polar, with cysteine, which is neutral and slightly polar, at codon 422 of the PINK1 protein (p.Arg422Cys).